The following is an entry in ClinVar:

ClinVar aggregate classification (germline): Conflicting classifications of pathogenicity. Review status: criteria provided, conflicting classifications (1 of 4 stars). 4 submissions from 4 submitters: Likely pathogenic (3); Uncertain significance (1). Last evaluated 2026-07-09.

Conditions:
CHRNE-related disorder. Also called: CHRNE-related condition.
Congenital myasthenic syndrome (CMS). Also called: Congenital Myasthenic Syndromes. Identifiers: Orphanet 590, MedGen C0751882, MeSH D020294, MONDO:0018940.
Congenital myasthenic syndrome 4A. Also called: CONGENITAL MYASTHENIC SYNDROME TYPE Ia1; Myasthenic syndrome, congenital, 4a, slow-channel; MYASTHENIC SYNDROME, CONGENITAL, 4A, SLOW-CHANNEL, AUTOSOMAL RECESSIVE. Identifiers: Orphanet 590, MedGen C4225413, MONDO:0011600, OMIM 605809.

Allele frequency attached by ClinVar (database versions not stated): gnomAD 0.00001; TOPMed 0.00002; gnomAD exomes 0.00002.
gnomAD v4.1: 29 of 1,603,208 alleles (0.0018%); highest among the groups gnomAD compares: Non-Finnish European, 0.0024%; no homozygotes.

Submissions (4):

GeneDx
Classification: Likely pathogenic. Last evaluated: 2026-07-09. Review status: criteria provided, single submitter. Criteria: GeneDx Variant Classification Process June 2021. Collection method: clinical testing. Allele origin: germline.
Comment: Published functional studies suggest this variant alters ACh binding and channel gating (PMID: 12356851); Not observed at significant frequency in large population cohorts (gnomAD); In silico analysis supports that this missense variant has a deleterious effect on protein structure/function; This variant is associated with the following publications: (PMID: 12356851)

Labcorp Genetics (formerly Invitae), Labcorp
Classification: Likely pathogenic for Congenital myasthenic syndrome 4A. Last evaluated: 2024-09-30. Review status: criteria provided, single submitter. Criteria: Invitae Variant Classification Sherloc (09022015). Collection method: clinical testing. Allele origin: germline.
Comment: This sequence change replaces asparagine, which is neutral and polar, with tyrosine, which is neutral and polar, at codon 202 of the CHRNE protein (p.Asn202Tyr). This variant is not present in population databases (gnomAD no frequency). This missense change has been observed in individual(s) with congenital myasthenic syndrome (PMID: 12356851; internal data). In at least one individual the data is consistent with being in trans (on the opposite chromosome) from a pathogenic variant. ClinVar contains an entry for this variant (Variation ID: 2506082). An algorithm developed to predict the effect of missense changes on protein structure and function (PolyPhen-2) suggests that this variant is likely to be disruptive. Experimental studies have shown that this missense change affects CHRNE function (PMID: 12356851). In summary, the currently available evidence indicates that the variant is pathogenic, but additional data are needed to prove that conclusively. Therefore, this variant has been classified as Likely Pathogenic.

PreventionGenetics, part of Exact Sciences
Classification: Uncertain significance for CHRNE-related condition. Last evaluated: 2023-08-25. Review status: criteria provided, single submitter. Criteria: ACMG Guidelines, 2015. Collection method: clinical testing. Allele origin: germline.
Comment: The CHRNE c.604A>T variant is predicted to result in the amino acid substitution p.Asn202Tyr. This variant (also reported as N182Y) was reported in the compound heterozygous state in an individual with congenital myasthenic syndrome; in vitro functional studies suggest that this variant alters ACh binding and channel gating (Sine et al. 2002. PubMed ID: 12356851). This variant is reported in 0.00090% of alleles in individuals of European (Non-Finnish) descent in gnomAD. Although we suspect that c.604A>T (p.Asn202Tyr) may be pathogenic, at this time the clinical significance of this variant is considered uncertain due to the absence of conclusive functional and genetic evidence.

Women's Health and Genetics/Laboratory Corporation of America, LabCorp
Classification: Likely pathogenic for Congenital myasthenic syndrome. Last evaluated: 2023-05-05. Review status: criteria provided, single submitter. Criteria: LabCorp Variant Classification Summary - May 2015. Collection method: clinical testing. Allele origin: germline.
Comment: Variant summary: CHRNE c.604A>T (p.Asn202Tyr) results in a non-conservative amino acid change in the encoded protein sequence. Five of five in-silico tools predict a damaging effect of the variant on protein function. The variant allele was found at a frequency of 4.2e-06 in 238792 control chromosomes. c.604A>T has been reported in the literature in an individual affected with Congenital Myasthenic Syndrome (Sine_2002). At least one publication reports experimental evidence evaluating an impact on protein function showing the variant increases affinity for one of two binding sites and alters gating of the channel (Sine_2002). The following publications have been ascertained in the context of this evaluation (PMID: 12356851). No clinical diagnostic laboratories have submitted clinical-significance assessments for this variant to ClinVar after 2014. Based on the evidence outlined above, the variant was classified as likely pathogenic.

Literature cited by the submitters: PubMed 12356851 (cited by Labcorp Genetics (formerly Invitae), Labcorp and Women's Health and Genetics/Laboratory Corporation of America, LabCorp).

NM_000080.4(CHRNE):c.604A>T (p.Asn202Tyr)

Genes: CHRNE (cholinergic receptor nicotinic epsilon subunit; minus strand), C17orf107 (chromosome 17 open reading frame 107; plus strand). Cytogenetic location: 17p13.2.
Variant type: single nucleotide variant.
Coding change: c.604A>T on transcript NM_000080.4 (MANE Select); coding-DNA position 604, A replaced by T.
Protein change: p.Asn202Tyr; replaces asparagine 202 with tyrosine.
Molecular consequence: missense variant. On other transcripts: 3 prime UTR variant (1).
Genome position (GRCh38, 1-based): chr17:4,901,188, T>A on the plus strand (A>T on the coding strand, the complement: CHRNE is on the minus strand). VCF-style: chr17-4901188-T-A. GRCh37 (hg19) VCF-style: chr17-4804483-T-A.
Other names: c.*655T>A (NM_001145536.2); short protein forms N202Y.
Identifiers: ClinVar variation 2506082 (VCV002506082.6), dbSNP rs760565441, ClinGen allele CA287183284.